The following is an entry in ClinVar:

ClinVar aggregate classification (germline): Uncertain significance (1 of 4 stars; one submission).

Conditions:
POLD1-related polyposis and colorectal cancer syndrome (CRCS10). Also called: Colorectal cancer, susceptibility to, 10; Colorectal cancer 10; COLORECTAL CANCER, SUSCEPTIBILITY TO, ON CHROMOSOME 19q. Identifiers: Orphanet 220460, MedGen C2675481, MONDO:0012953, OMIM 612591.

Submission:

Labcorp Genetics (formerly Invitae), Labcorp
Classification: Uncertain significance for POLD1-related polyposis and colorectal cancer syndrome. Last evaluated: 2025-10-12. Review status: criteria provided, single submitter. Criteria: Invitae Variant Classification Sherloc (09022015). Collection method: clinical testing. Allele origin: germline.
Comment: This sequence change replaces alanine, which is neutral and non-polar, with serine, which is neutral and polar, at codon 274 of the POLD1 protein (p.Ala274Ser). This variant is not present in population databases (gnomAD no frequency). This variant has not been reported in the literature in individuals affected with POLD1-related conditions. ClinVar contains an entry for this variant (Variation ID: 1352940). Invitae Evidence Modeling of protein sequence and biophysical properties (such as structural, functional, and spatial information, amino acid conservation, physicochemical variation, residue mobility, and thermodynamic stability) indicates that this missense variant is not expected to disrupt POLD1 protein function with a negative predictive value of 80%. In summary, the available evidence is currently insufficient to determine the role of this variant in disease. Therefore, it has been classified as a Variant of Uncertain Significance.

NM_002691.4(POLD1):c.820G>T (p.Ala274Ser)

Gene: POLD1 (DNA polymerase delta 1, catalytic subunit; plus strand). Cytogenetic location: 19q13.33.
Variant type: single nucleotide variant.
Coding change: c.820G>T on transcript NM_002691.4 (MANE Select); coding-DNA position 820, G replaced by T.
Protein change: p.Ala274Ser; replaces alanine 274 with serine.
Molecular consequence: missense variant. On other transcripts: non-coding transcript variant (1).
Genome position (GRCh38, 1-based): chr19:50,402,515, G>T. VCF-style: chr19-50402515-G-T. GRCh37 (hg19) VCF-style: chr19-50905772-G-T.
Other names: c.820G>T, p.Ala274Ser (NM_001256849.1, NM_001308632.1); short protein forms A274S.
Identifiers: ClinVar variation 1352940 (VCV001352940.6), dbSNP rs878854557, ClinGen allele CA406975062.
Genomic context (GRCh38, chr19:50,402,515, plus strand): 5'-TTCATGGTGGACACGGACATCGTCGGCTGCAACTGGCTGGAGCTCCCAGCTGGGAAATAC[G>T]CCCTGAGGCTGAAGGAGAAGGTGCAGGGCTTCCCAGGGCAGGGCTGGGTGGGGAGCTGGT-3'
Protein context (NP_002682.2, residues 264-284): NWLELPAGKY[Ala274Ser]LRLKEKATQC